The following is an entry in ClinVar:

ClinVar aggregate classification (germline): Benign/Likely benign. Review status: criteria provided, multiple submitters, no conflicts (2 of 4 stars). 9 submissions from 9 submitters: Benign (6); Likely benign (3). Last evaluated 2026-02-03.

Conditions:
Mitochondrial DNA depletion syndrome, encephalomyopathic form with methylmalonic aciduria (MTDPS5). Also called: Mitochondrial encephalomyopathy aminoacidopathy; MITOCHONDRIAL DNA DEPLETION SYNDROME, ENCEPHALOMYOPATHIC FORM, WITH OR WITHOUT METHYLMALONIC ACIDURIA, AUTOSOMAL RECESSIVE, SUCLA2-RELATED; Mitochondrial DNA depletion syndrome 5 (encephalomyopathic with or without methylmalonic aciduria); SUCLA2-Related Mitochondrial DNA Depletion Syndrome, Encephalomyopathic Form with Methylmalonic Aciduria. Identifiers: Orphanet 1933, MedGen C5980207, MONDO:0012791, OMIM 612073.

Allele frequency attached by ClinVar (database versions not stated): gnomAD exomes 0.00040 and 0.00117; ExAC 0.00148; gnomAD 0.00417 and 0.00451; TOPMed 0.00467; 1000 Genomes Project 0.00519; ESP Exome Variant Server 0.00523; 1000 Genomes Project 30x 0.00640.
gnomAD v4.1: 1,234 of 1,613,438 alleles (0.076%); highest among the groups gnomAD compares: African/African-American, 1.5%; 5 homozygotes.

Submissions (9):

Labcorp Genetics (formerly Invitae), Labcorp
Classification: Benign for Mitochondrial DNA depletion syndrome, encephalomyopathic form with methylmalonic aciduria. Last evaluated: 2026-02-03. Review status: criteria provided, single submitter. Criteria: Invitae Variant Classification Sherloc (09022015). Collection method: clinical testing. Allele origin: germline.

Blueprint Genetics
Classification: Likely benign. Last evaluated: 2024-11-20. Review status: criteria provided, single submitter. Criteria: ACMG Guidelines, 2015. Collection method: clinical testing. Allele origin: germline.

Mayo Clinic Laboratories, Mayo Clinic
Classification: Benign. Last evaluated: 2024-01-31. Review status: criteria provided, single submitter. Criteria: ACMG Guidelines, 2015. Collection method: clinical testing. Allele origin: germline. Observed: 6 variant alleles.
Comment: BA1, BS2, BP4

Athena Diagnostics
Classification: Benign. Last evaluated: 2019-03-05. Review status: criteria provided, single submitter. Criteria: Athena Diagnostics Criteria. Collection method: clinical testing. Allele origin: germline.

Illumina Laboratory Services, Illumina
Classification: Benign for Mitochondrial DNA depletion syndrome, encephalomyopathic form with methylmalonic aciduria. Last evaluated: 2018-01-13. Review status: criteria provided, single submitter. Criteria: ICSL Variant Classification Criteria 13 December 2019. Collection method: clinical testing. Allele origin: germline.
Comment: This variant was observed in the ICSL laboratory as part of a predisposition screen in an ostensibly healthy population. It had not been previously curated by ICSL or reported in the Human Gene Mutation Database (HGMD: prior to June 1st, 2018), and was therefore a candidate for classification through an automated scoring system. Utilizing variant allele frequency, disease prevalence and penetrance estimates, and inheritance mode, an automated score was calculated to assess if this variant is too frequent to cause the disease. Based on the score and internal cut-off values, a variant classified as benign is not then subjected to further curation. The score for this variant resulted in a classification of benign for this disease.

ARUP Laboratories, Molecular Genetics and Genomics, ARUP Laboratories
Classification: Benign. Last evaluated: 2017-07-30. Review status: criteria provided, single submitter. Criteria: ARUP Molecular Germline Variant Investigation Process. Collection method: clinical testing. Allele origin: germline.

Center for Pediatric Genomic Medicine, Children's Mercy Hospital and Clinics
Classification: Likely benign. Last evaluated: 2017-01-26. Review status: criteria provided, single submitter. Criteria: ACMG Guidelines, 2015. Collection method: clinical testing. Allele origin: germline.
ClinVar note: Converted during submission from Likely Benign to Likely benign.

GeneDx
Classification: Benign. Last evaluated: 2013-05-24. Review status: criteria provided, single submitter. Criteria: GeneDx Variant Classification (06012015). Collection method: clinical testing. Allele origin: germline. Affected: yes.
Comment: This variant is considered likely benign or benign based on one or more of the following criteria: it is a conservative change, it occurs at a poorly conserved position in the protein, it is predicted to be benign by multiple in silico algorithms, and/or has population frequency not consistent with disease.

Breakthrough Genomics
Classification: Likely benign. Review status: criteria provided, single submitter. Criteria: ACMG Guidelines, 2015. Collection method: not provided. Allele origin: germline. Inheritance: Autosomal recessive inheritance. Affected: yes.

NM_003850.3(SUCLA2):c.256A>G (p.Ile86Val)

Gene: SUCLA2 (succinate-CoA ligase ADP-forming subunit beta; minus strand). Cytogenetic location: 13q14.2.
Variant type: single nucleotide variant.
Coding change: c.256A>G on transcript NM_003850.3 (MANE Select); coding-DNA position 256, A replaced by G.
Protein change: p.Ile86Val; replaces isoleucine 86 with valine.
Molecular consequence: missense variant.
Genome position (GRCh38, 1-based): chr13:47,996,858, T>C on the plus strand (A>G on the coding strand, the complement: SUCLA2 is on the minus strand). VCF-style: chr13-47996858-T-C. GRCh37 (hg19) VCF-style: chr13-48570993-T-C.
Other names: p.I86V:ATT>GTT; short protein forms I86V.
Identifiers: ClinVar variation 139364 (VCV000139364.27), dbSNP rs61756204, ClinGen allele CA293811.